The following is an entry in ClinVar:

ClinVar aggregate classification (germline): Uncertain significance (1 of 4 stars; one submission).

Conditions:
Immunodeficiency 104. Also called: SCID, AUTOSOMAL RECESSIVE, T CELL-NEGATIVE, B CELL-POSITIVE, NK CELL-POSITIVE; IMMUNODEFICIENCY 104, SEVERE COMBINED; Severe combined immunodeficiency, autosomal recessive, T cell-negative, B cell-positive, NK cell-positive; Severe Combined Immune Deficiency, Autosomal Recessive, TCell -Negative, B Cell-Positive, NK Cell-Positive, IL7R-Related. Identifiers: MedGen C5676890, MONDO:0012163, OMIM 608971.

Allele frequency attached by ClinVar (database versions not stated): gnomAD exomes below 0.00001; ExAC 0.00001.
gnomAD v4.1: 9 of 1,612,434 alleles (0.00056%); highest among the groups gnomAD compares: Admixed American, 0.0017%; no homozygotes.

Submission:

Labcorp Genetics (formerly Invitae), Labcorp
Classification: Uncertain significance for Immunodeficiency 104. Last evaluated: 2021-08-31. Review status: criteria provided, single submitter. Criteria: Invitae Variant Classification Sherloc (09022015). Collection method: clinical testing. Allele origin: germline.
Comment: This sequence change replaces glutamine with histidine at codon 678 of the PTPRC protein (p.Gln678His). The glutamine residue is highly conserved and there is a small physicochemical difference between glutamine and histidine. This variant is present in population databases (rs777914316, ExAC 0.009%). This variant has not been reported in the literature in individuals affected with PTPRC-related conditions. Algorithms developed to predict the effect of missense changes on protein structure and function are either unavailable or do not agree on the potential impact of this missense change (SIFT: "Deleterious"; PolyPhen-2: "Probably Damaging"; Align-GVGD: "Class C0"). In summary, the available evidence is currently insufficient to determine the role of this variant in disease. Therefore, it has been classified as a Variant of Uncertain Significance.

NM_002838.5(PTPRC):c.2034G>T (p.Gln678His)

Gene: PTPRC (protein tyrosine phosphatase receptor type C; plus strand). Cytogenetic location: 1q32.1.
Variant type: single nucleotide variant.
Coding change: c.2034G>T on transcript NM_002838.5 (MANE Select); coding-DNA position 2034, G replaced by T.
Protein change: p.Gln678His; replaces glutamine 678 with histidine.
Molecular consequence: missense variant.
Genome position (GRCh38, 1-based): chr1:198,732,359, G>T. VCF-style: chr1-198732359-G-T. GRCh37 (hg19) VCF-style: chr1-198701488-G-T.
Other names: c.1551G>T, p.Gln517His (NM_080921.4); short protein forms Q517H, Q678H.
Identifiers: ClinVar variation 642834 (VCV000642834.6), dbSNP rs777914316, ClinGen allele CA1314972.
Genomic context (GRCh38, chr1:198,732,359, plus strand): 5'-GAGCATCCCGCGGGTGTTCAGCAAGTTTCCTATAAAGGAAGCTCGAAAGCCCTTTAACCA[G>T]AATAAAAACCGTTATGTTGACATTCTTCCTTGTGAGTATTTATTGAGTGCTGAATTCCCA-3'
Protein context (NP_002829.3, residues 668-688): PIKEARKPFN[Gln678His]NKNRYVDILP